The following is an entry in ClinVar:

NM_006261.5(PROP1):c.310del (p.Arg104fs)

Gene: PROP1 (PROP paired-like homeobox 1; minus strand). Cytogenetic location: 5q35.3.
Variant type: Deletion.
Coding change: c.310del on transcript NM_006261.5 (MANE Select); coding-DNA position 310, one base deleted (C; older notation c.310delC).
Protein change: p.Arg104fs; shifts the reading frame from arginine 104.
Molecular consequence: frameshift variant.
Genome position (GRCh38, 1-based): chr5:177,994,138, G deleted on the plus strand (C on the coding strand, the reverse complement: PROP1 is on the minus strand); the first of 3 consecutive G bases (chr5:177,994,138-177,994,140); deleting any one gives the same sequence. VCF-style (leftmost placement, unchanged base first): chr5-177994137-CG-C. GRCh37 (hg19) VCF-style: chr5-177421138-CG-C.
Other names: c.310delC (NM_006261.4); short protein forms R104fs.
Identifiers: ClinVar variation 189062 (VCV000189062.16), dbSNP rs786204663, ClinGen allele CA346835.

ClinVar aggregate classification (germline): Pathogenic/Likely pathogenic. Review status: criteria provided, multiple submitters, no conflicts (2 of 4 stars). 5 submissions from 5 submitters: Pathogenic (3); Likely pathogenic (1). 1 of the submissions does not count toward it. Last evaluated 2025-08-04.

Conditions:
Pituitary hormone deficiency, combined, 2. Also called: HANHART DWARFISM; PITUITARY DWARFISM III; PROP1-Related Combined Pituitary Hormone Deficiency; ATELIOTIC DWARFISM WITH HYPOGONADISM. Identifiers: MedGen C0878683, MONDO:0009878, OMIM 262600.

Submissions (5):

Natera, Inc.
Classification: Pathogenic for Combined pituitary hormone deficiency type 2. Last evaluated: 2025-08-04. Review status: criteria provided, single submitter. Criteria: Natera Variant Classification Schema (03/2026). Collection method: clinical testing. Allele origin: germline.
Comment: The c.310delC variant in PROP1 is a frameshift variant predicted to shift the reading frame beginning at codon 104 and leads to a stop codon 61 codons downstream. This variant is expected to result in nonsense mediated decay, truncation, or a dysfunctional protein product. This variant is rare in the general population with a frequency below the threshold expected for the associated phenotype(s). This variant has been observed in one or more individuals affected with the associated recessive disease, as either homozygous or compound heterozygous with a second variant (PMID: 19128366). Additionally, this variant has been observed to segregate in affected family members (PMID: 19128366). Functional studies show that this variant may disrupt protein function (PMID: 19128366). Given the available evidence, this variant is classified as Pathogenic.

Fulgent Genetics
Classification: Likely pathogenic for Pituitary hormone deficiency, combined, 2. Last evaluated: 2024-01-20. Review status: criteria provided, single submitter. Criteria: ACMG Guidelines, 2015. Collection method: clinical testing. Allele origin: germline.

Labcorp Genetics (formerly Invitae), Labcorp
Classification: Pathogenic. Last evaluated: 2023-09-10. Review status: criteria provided, single submitter. Criteria: Invitae Variant Classification Sherloc (09022015). Collection method: clinical testing. Allele origin: germline.
Comment: This variant disrupts a region of the PROP1 protein in which other variant(s) (p.Trp194*) have been determined to be pathogenic (PMID: 15941866, 20381582; Invitae). This suggests that this is a clinically significant region of the protein, and that variants that disrupt it are likely to be disease-causing. ClinVar contains an entry for this variant (Variation ID: 189062). This premature translational stop signal has been observed in individual(s) with growth hormone deficiency (PMID: 19128366). This variant is present in population databases (rs786204663, gnomAD 0.0009%). This sequence change creates a premature translational stop signal (p.Arg104Glyfs*61) in the PROP1 gene. While this is not anticipated to result in nonsense mediated decay, it is expected to disrupt the last 123 amino acid(s) of the PROP1 protein. For these reasons, this variant has been classified as Pathogenic.

Baylor Genetics
Classification: Pathogenic for Pituitary hormone deficiency, combined, 2. Last evaluated: 2022-10-03. Review status: criteria provided, single submitter. Criteria: ACMG Guidelines, 2015. Collection method: clinical testing. Allele origin: unknown.

Counsyl
Classification: Likely pathogenic for Pituitary hormone deficiency, combined 2. Last evaluated: 2014-11-13. Review status: no assertion criteria provided. Collection method: literature only. Allele origin: unknown. Inheritance: Autosomal recessive inheritance. Not counted in ClinVar's aggregate classification.

Literature cited by the submitters: PubMed 19128366 (cited by 3 submitters); PubMed 15941866 (cited by Labcorp Genetics (formerly Invitae), Labcorp); PubMed 20381582 (cited by Labcorp Genetics (formerly Invitae), Labcorp).